The following is an entry in ClinVar:

ClinVar aggregate classification (germline): Uncertain significance. Review status: criteria provided, multiple submitters, no conflicts (2 of 4 stars). 2 submissions from 2 submitters: Uncertain significance (2). Last evaluated 2025-10-14.

Conditions:
Inborn genetic diseases. Identifiers: MedGen C0950123, MeSH D030342.
Bethlem myopathy 1A. Also called: Bethlem Muscular Dystrophy; MYOPATHY, BENIGN CONGENITAL, WITH CONTRACTURES; Bethlem myopathy 1. Identifiers: Orphanet 610, MedGen CN029274, MONDO:0024530, OMIM 158810.

Allele frequency attached by ClinVar (database versions not stated): gnomAD exomes below 0.00001; TOPMed below 0.00001; ExAC 0.00001; gnomAD 0.00001.
gnomAD v4.1: 1 of 1,601,524 alleles (0.000062%); highest among the groups gnomAD compares: Non-Finnish European, 0.000085%; no homozygotes.

Submissions (2):

Labcorp Genetics (formerly Invitae), Labcorp
Classification: Uncertain significance for Bethlem myopathy 1A. Last evaluated: 2025-10-14. Review status: criteria provided, single submitter. Criteria: Invitae Variant Classification Sherloc (09022015). Collection method: clinical testing. Allele origin: germline.
Comment: This sequence change replaces threonine, which is neutral and polar, with serine, which is neutral and polar, at codon 864 of the COL6A2 protein (p.Thr864Ser). The frequency data for this variant in the population databases is considered unreliable, as metrics indicate poor data quality at this position in the gnomAD database. This variant has not been reported in the literature in individuals affected with COL6A2-related conditions. ClinVar contains an entry for this variant (Variation ID: 1056152). Invitae Evidence Modeling of protein sequence and biophysical properties (such as structural, functional, and spatial information, amino acid conservation, physicochemical variation, residue mobility, and thermodynamic stability) indicates that this missense variant is not expected to disrupt COL6A2 protein function with a negative predictive value of 80%. In summary, the available evidence is currently insufficient to determine the role of this variant in disease. Therefore, it has been classified as a Variant of Uncertain Significance.

Ambry Genetics
Classification: Uncertain significance for Inborn genetic diseases. Last evaluated: 2022-11-16. Review status: criteria provided, single submitter. Criteria: Ambry Variant Classification Scheme 2023. Collection method: clinical testing. Allele origin: germline.
Comment: The c.2590A>T (p.T864S) alteration is located in exon 28 (coding exon 27) of the COL6A2 gene. This alteration results from an A to T substitution at nucleotide position 2590, causing the threonine (T) at amino acid position 864 to be replaced by a serine (S). Based on data from gnomAD, the T allele has an overall frequency of <0.001% (1/223382) total alleles studied. The highest observed frequency was 0.001% (1/100060) of European (non-Finnish) alleles. This amino acid position is not well conserved in available vertebrate species. This alteration is predicted to be tolerated by in silico analysis. Based on insufficient or conflicting evidence, the clinical significance of this alteration remains unclear.

NM_001849.4(COL6A2):c.2590A>T (p.Thr864Ser)

Gene: COL6A2 (collagen type VI alpha 2 chain; plus strand). Cytogenetic location: 21q22.3.
Variant type: single nucleotide variant.
Coding change: c.2590A>T on transcript NM_001849.4 (MANE Select); coding-DNA position 2590, A replaced by T.
Protein change: p.Thr864Ser; replaces threonine 864 with serine.
Molecular consequence: missense variant.
Genome position (GRCh38, 1-based): chr21:46,132,082, A>T. VCF-style: chr21-46132082-A-T. GRCh37 (hg19) VCF-style: chr21-47551996-A-T.
Other names: c.2590A>T (NM_001849.3); short protein forms T864S.
Identifiers: ClinVar variation 1056152 (VCV001056152.10), dbSNP rs780908409, ClinGen allele CA10072939.
Genomic context (GRCh38, chr21:46,132,082, plus strand): 5'-CTGGGTGAGCAGAACTTCCACAAGGCCCGGCGCTTCGTGGAGCAGGTGGCGCGGCGGCTG[A>T]CGCTGGCCCGGAGGGACGACGACCCTCTCAACGCACGCGTGGCGCTGCTGCAGTTTGGTG-3'
Protein context (NP_001840.3, residues 854-874): RFVEQVARRL[Thr864Ser]LARRDDDPLN